The following is an entry in ClinVar:

NM_003611.3(OFD1):c.313-1G>T

Gene: OFD1 (OFD1 centriole and centriolar satellite protein; plus strand). Cytogenetic location: Xp22.2.
Variant type: single nucleotide variant.
Coding change: c.313-1G>T on transcript NM_003611.3 (MANE Select); the canonical splice acceptor site of the intron before coding-DNA position 313, G replaced by T.
Molecular consequence: splice acceptor variant.
Genome position (GRCh38, 1-based): chrX:13,738,845, G>T. VCF-style: chrX-13738845-G-T. GRCh37 (hg19) VCF-style: chrX-13756964-G-T.
Other names: c.-233-1G>T (NM_001330210.2); c.313-1G>T (NM_001330209.2).
Identifiers: ClinVar variation 2504117 (VCV002504117.2), dbSNP rs2518776413, ClinGen allele CA412333590.
Genomic context (GRCh38, chrX:13,738,845, plus strand): 5'-AATTTATCATTTAAACACTGATATAAAAATATGTCTACTTAGTAACCTATTTTTTCTTAA[G>T]GTATTTACTATGCAGGATCTATTACAACTCATTAAAATCAACCCTACTTCCAGTCTCTAC-3'

ClinVar aggregate classification (germline): Likely pathogenic (1 of 4 stars; one submission).

Conditions:
Orofaciodigital syndrome I (OFD1). Also called: Papillon-Leage and Psaume Syndrome; Oral-Facial-Digital Syndrome Type I; OFDS I. Identifiers: Orphanet 2750, MedGen C1510460, MONDO:0010702, OMIM 311200.

Submission:

Human Genome Lab, NIMHANS, National Institute of Mental Health and Neuro Sciences
Classification: Likely pathogenic for Orofaciodigital syndrome I. Review status: criteria provided, single submitter. Criteria: ACMG Guidelines, 2015. Collection method: clinical testing. Allele origin: germline. Inheritance: X-linked dominant inheritance. Affected: yes. Observed: 1 heterozygote.
Comment: The splice acceptor variant NM_003611.3(OFD1):c.313-1G>T has not been reported previously as a pathogenic variant nor as a benign variant, to our knowledge. The c.313-1G>T variant is novel (not in any individuals) in 1kG All. The c.313-1G>T variant is novel (not in any individuals) in gnomAD as well as in our inhouse database. This variant mutates a splice-acceptor sequence, but is predicted to preserve the reading frame, resulting in in-frame exon skipping. This variant results in the loss of an acceptor splice site for the clinically relevant transcript. There are 2 pathogenic variants in the same region as the variant c.313-1G>T, indicating that the region is critical to protein function. The gene OFD1 has a low rate of benign loss of function variants as indicated by a low upper bound of the observed/expected confidence interval 0.32. The c.313-1G>T variant is a loss of function variant in the gene OFD1, which is intolerant of Loss of Function variants, as indicated by the presence of existing pathogenic loss of function variant NP_003602.1:p.Y24* and 53 others. The variant was not found to be segregated in the parents, confirming the De novo status of the variant. For these reasons, this variant has been classified as Likely Pathogenic.